The following is an entry in ClinVar:

ClinVar aggregate classification (germline): Uncertain significance (1 of 4 stars; one submission).

Conditions:
Multiple endocrine neoplasia, type 1 (MEN1). Also called: MEN I; WERMER SYNDROME; Endocrine adenomatosis multiple; MEN 1; MEA I. Identifiers: Orphanet 652, MedGen C0025267, MeSH D018761, MONDO:0007540, OMIM 131100.

Submission:

Labcorp Genetics (formerly Invitae), Labcorp
Classification: Uncertain significance for Multiple endocrine neoplasia, type 1. Last evaluated: 2025-01-01. Review status: criteria provided, single submitter. Criteria: Invitae Variant Classification Sherloc (09022015). Collection method: clinical testing. Allele origin: germline.
Comment: This sequence change replaces phenylalanine, which is neutral and non-polar, with cysteine, which is neutral and slightly polar, at codon 553 of the MEN1 protein (p.Phe553Cys). This variant is not present in population databases (gnomAD no frequency). This variant has not been reported in the literature in individuals affected with MEN1-related conditions. Invitae Evidence Modeling of protein sequence and biophysical properties (such as structural, functional, and spatial information, amino acid conservation, physicochemical variation, residue mobility, and thermodynamic stability) indicates that this missense variant is expected to disrupt MEN1 protein function with a positive predictive value of 95%. In summary, the available evidence is currently insufficient to determine the role of this variant in disease. Therefore, it has been classified as a Variant of Uncertain Significance.

NM_001370259.2(MEN1):c.1658T>G (p.Phe553Cys)

Gene: MEN1 (menin 1; minus strand). Cytogenetic location: 11q13.1.
Variant type: single nucleotide variant.
Coding change: c.1658T>G on transcript NM_001370259.2 (MANE Select); coding-DNA position 1658, T replaced by G.
Protein change: p.Phe553Cys; replaces phenylalanine 553 with cysteine.
Molecular consequence: missense variant. On other transcripts: non-coding transcript variant (4).
Genome position (GRCh38, 1-based): chr11:64,804,509, A>C on the plus strand (T>G on the coding strand, the complement: MEN1 is on the minus strand). VCF-style: chr11-64804509-A-C. GRCh37 (hg19) VCF-style: chr11-64571981-A-C.
Other names: c.1673T>G, p.Phe558Cys (NM_000244.4, NM_130800.3, NM_130801.3 and 4 more transcripts); c.1784T>G, p.Phe595Cys (NM_001370251.2, NM_001407142.1, NM_001407143.1 and 1 more transcripts); c.1658T>G, p.Phe553Cys (NM_001370260.2, NM_001370261.2, NM_130799.3 and 2 more transcripts); c.1553T>G, p.Phe518Cys (NM_001370262.2, NM_001370263.2, NM_001407148.1 and 1 more transcripts); c.1799T>G, p.Phe600Cys (NM_001407150.1); c.1679T>G, p.Phe560Cys (NM_001407151.1); c.1493T>G, p.Phe498Cys (NM_001407152.1); short protein forms F553C, F498C, F518C, F595C, F600C, F558C, F560C.
Identifiers: ClinVar variation 3634185 (VCV003634185.2).
Genomic context (GRCh38, chr11:64,804,509, plus strand): 5'-CTCGAGTTGATCTTGGTGGCCACCAGCAGCTCCTTCATGCCCTTCATCTTCTCACTCTGG[A>C]AAGTGAGCACTGGACCCTCCGGCGGTGGTGATGCTGTGGGTGCTGGCACCTGAGCCGTGC-3'
Protein context (NP_001357188.2, residues 543-563): SPPPEGPVLT[Phe553Cys]QSEKMKGMKE